The following is an entry in ClinVar:

NM_005216.5(DDOST):c.1196C>T (p.Thr399Met)

Gene: DDOST (dolichyl-diphosphooligosaccharide--protein glycosyltransferase non-catalytic subunit; minus strand). Cytogenetic location: 1p36.12.
Variant type: single nucleotide variant.
Coding change: c.1196C>T on transcript NM_005216.5 (MANE Select); coding-DNA position 1196, C replaced by T.
Protein change: p.Thr399Met; replaces threonine 399 with methionine.
Molecular consequence: missense variant.
Genome position (GRCh38, 1-based): chr1:20,652,503, G>A on the plus strand (C>T on the coding strand, the complement: DDOST is on the minus strand). VCF-style: chr1-20652503-G-A. GRCh37 (hg19) VCF-style: chr1-20978996-G-A.
Other names: short protein forms T399M.
Identifiers: ClinVar variation 1389493 (VCV001389493.8), dbSNP rs530990753, ClinGen allele CA660991.

ClinVar aggregate classification (germline): Uncertain significance (1 of 4 stars; one submission).

Conditions:
Congenital disorder of glycosylation type Ir (CDG1R). Also called: DDOST-congenital disorder of glycosylation. Identifiers: Orphanet 300536, MedGen C3281084, MONDO:0013789, OMIM 614507.

Allele frequency attached by ClinVar (database versions not stated): gnomAD 0.00001 and 0.00002; gnomAD exomes 0.00002 and 0.00006; ExAC 0.00004; TOPMed 0.00005; 1000 Genomes Project 30x 0.00016; 1000 Genomes Project 0.00020.
gnomAD v4.1: 38 of 1,613,994 alleles (0.0024%); highest among the groups gnomAD compares: East Asian, 0.047%; no homozygotes.

Submission:

Labcorp Genetics (formerly Invitae), Labcorp
Classification: Uncertain significance for Congenital disorder of glycosylation type Ir. Last evaluated: 2024-08-15. Review status: criteria provided, single submitter. Criteria: Invitae Variant Classification Sherloc (09022015). Collection method: clinical testing. Allele origin: germline.
Comment: This sequence change replaces threonine, which is neutral and polar, with methionine, which is neutral and non-polar, at codon 416 of the DDOST protein (p.Thr416Met). This variant is present in population databases (rs530990753, gnomAD 0.07%), and has an allele count higher than expected for a pathogenic variant. This variant has not been reported in the literature in individuals affected with DDOST-related conditions. ClinVar contains an entry for this variant (Variation ID: 1389493). An algorithm developed to predict the effect of missense changes on protein structure and function (PolyPhen-2) suggests that this variant is likely to be disruptive. In summary, the available evidence is currently insufficient to determine the role of this variant in disease. Therefore, it has been classified as a Variant of Uncertain Significance.